The following is an entry in ClinVar:

NM_001458.5(FLNC):c.5704del (p.Ala1902fs)

Genes: FLNC (filamin C; plus strand), FLNC-AS1 (FLNC antisense RNA 1; minus strand). Cytogenetic location: 7q32.1.
Variant type: Deletion.
Coding change: c.5704del on transcript NM_001458.5 (MANE Select); coding-DNA position 5704, one base deleted (G; older notation c.5704delG).
Protein change: p.Ala1902fs; shifts the reading frame from alanine 1902.
Molecular consequence: frameshift variant. On other transcripts: non-coding transcript variant (1).
Genome position (GRCh38, 1-based): chr7:128,851,490, G deleted; the last of 2 consecutive G bases (chr7:128,851,489-128,851,490); deleting either gives the same sequence. VCF-style (leftmost placement, unchanged base first): chr7-128851488-AG-A. GRCh37 (hg19) VCF-style: chr7-128491542-AG-A.
Other names: c.5605del, p.Ala1869fs (NM_001127487.2); c.5704delG (NM_001458.4); short protein forms A1902fs, A1869fs.
Identifiers: ClinVar variation 432355 (VCV000432355.5), dbSNP rs1554400703, ClinGen allele CA645372844.

ClinVar aggregate classification (germline): Pathogenic. Review status: criteria provided, multiple submitters, no conflicts (2 of 4 stars). 2 submissions from 2 submitters: Pathogenic (2). Last evaluated 2024-01-24.

Conditions:
Myofibrillar myopathy 5. Also called: FILAMINOPATHY, AUTOSOMAL DOMINANT; Filaminopathy (type). Identifiers: Orphanet 171445, MedGen C1836050, MONDO:0012289, OMIM 609524.
Distal myopathy with posterior leg and anterior hand involvement. Also called: WILLIAMS DISTAL MYOPATHY. Identifiers: Orphanet 63273, MedGen C3279722, MONDO:0013550, OMIM 614065.
Hypertrophic cardiomyopathy 26. Also called: Cardiomyopathy, familial hypertrophic, 26. Identifiers: Orphanet 75249, MedGen C4310749, MONDO:0014883, OMIM 617047.

Submissions (2):

Labcorp Genetics (formerly Invitae), Labcorp
Classification: Pathogenic for Distal myopathy with posterior leg and anterior hand involvement; Myofibrillar myopathy 5; Hypertrophic cardiomyopathy 26. Last evaluated: 2024-01-24. Review status: criteria provided, single submitter. Criteria: Invitae Variant Classification Sherloc (09022015). Collection method: clinical testing. Allele origin: germline.
Comment: This sequence change creates a premature translational stop signal (p.Ala1902Glnfs*51) in the FLNC gene. It is expected to result in an absent or disrupted protein product. Loss-of-function variants in FLNC are known to be pathogenic (PMID: 27908349). This variant is not present in population databases (gnomAD no frequency). This variant has not been reported in the literature in individuals affected with FLNC-related conditions. ClinVar contains an entry for this variant (Variation ID: 432355). For these reasons, this variant has been classified as Pathogenic.

GeneDx
Classification: Pathogenic. Last evaluated: 2017-05-31. Review status: criteria provided, single submitter. Criteria: GeneDx Variant Classification (06012015). Collection method: clinical testing. Allele origin: germline. Affected: yes.
Comment: The c.5704delG variant in the FLNC gene has not been reported previously as a pathogenic variant nor as a benign variant, to our knowledge. The c.5704delG variant causes a frameshift starting with codon Alanine 1902, changes this amino acid to a Glutamine residue, and creates a premature Stop codon at position 51 of the new reading frame, denoted p.Ala1902GlnfsX51. This variant is predicted to cause loss of normal protein function either through protein truncation or nonsense-mediated mRNA decay. The c.5704delG variant is not observed in large population cohorts (Lek et al., 2016; 1000 Genomes Consortium et al., 2015; Exome Variant Server). We interpret c.5704delG as a pathogenic variant.

Literature cited by the submitters: PubMed 27908349 (cited by Labcorp Genetics (formerly Invitae), Labcorp).